The following is an entry in ClinVar:

NM_024570.4(RNASEH2B):c.40C>T (p.Arg14Trp)

Genes: RNASEH2B (ribonuclease H2 subunit B; plus strand), RNASEH2B-AS1 (RNASEH2B antisense RNA 1; minus strand), LOC130009810 (ATAC-STARR-seq lymphoblastoid silent region 5362; plus strand). Cytogenetic location: 13q14.3.
Variant type: single nucleotide variant.
Coding change: c.40C>T on transcript NM_024570.4 (MANE Select); coding-DNA position 40, C replaced by T.
Protein change: p.Arg14Trp; replaces arginine 14 with tryptophan.
Molecular consequence: missense variant.
Genome position (GRCh38, 1-based): chr13:50,910,116, C>T. VCF-style: chr13-50910116-C-T. GRCh37 (hg19) VCF-style: chr13-51484252-C-T.
Other names: c.40C>T, p.Arg14Trp (NM_001142279.2); short protein forms R14W.
Identifiers: ClinVar variation 540250 (VCV000540250.8), dbSNP rs900876937, ClinGen allele CA249994610.

ClinVar aggregate classification (germline): Uncertain significance. Review status: criteria provided, multiple submitters, no conflicts (2 of 4 stars). 2 submissions from 2 submitters: Uncertain significance (2). Last evaluated 2025-08-28.

Conditions:
Aicardi-Goutieres syndrome 2. Identifiers: Orphanet 51, MedGen C3489724, MONDO:0012429, OMIM 610181.
Inborn genetic diseases. Identifiers: MedGen C0950123, MeSH D030342.

Allele frequency attached by ClinVar (database versions not stated): gnomAD 0.00004; TOPMed 0.00005; gnomAD exomes 0.00006.
gnomAD v4.1: 161 of 1,458,770 alleles (0.011%); highest among the groups gnomAD compares: Non-Finnish European, 0.014%; no homozygotes.

Submissions (2):

Ambry Genetics
Classification: Uncertain significance for Inborn genetic diseases. Last evaluated: 2025-08-28. Review status: criteria provided, single submitter. Criteria: Ambry Variant Classification Scheme 2023. Collection method: clinical testing. Allele origin: germline.

Labcorp Genetics (formerly Invitae), Labcorp
Classification: Uncertain significance for Aicardi-Goutieres syndrome 2. Last evaluated: 2024-12-16. Review status: criteria provided, single submitter. Criteria: Invitae Variant Classification Sherloc (09022015). Collection method: clinical testing. Allele origin: germline.
Comment: This sequence change replaces arginine, which is basic and polar, with tryptophan, which is neutral and slightly polar, at codon 14 of the RNASEH2B protein (p.Arg14Trp). The frequency data for this variant in the population databases is considered unreliable, as metrics indicate poor data quality at this position in the gnomAD database. This variant has not been reported in the literature in individuals affected with RNASEH2B-related conditions. ClinVar contains an entry for this variant (Variation ID: 540250). Invitae Evidence Modeling of protein sequence and biophysical properties (such as structural, functional, and spatial information, amino acid conservation, physicochemical variation, residue mobility, and thermodynamic stability) has been performed for this missense variant. However, the output from this modeling did not meet the statistical confidence thresholds required to predict the impact of this variant on RNASEH2B protein function. In summary, the available evidence is currently insufficient to determine the role of this variant in disease. Therefore, it has been classified as a Variant of Uncertain Significance.